The following is an entry in ClinVar:

ClinVar aggregate classification (germline): Likely pathogenic. Review status: criteria provided, multiple submitters, no conflicts (2 of 4 stars). 2 submissions from 2 submitters: Likely pathogenic (2). Last evaluated 2025-09-29.

Conditions:
Glycogen storage disease, type V (GSD5). Also called: McArdle type glycogen storage disease; MCARDLE DISEASE; MUSCLE GLYCOGEN PHOSPHORYLASE DEFICIENCY; MYOPHOSPHORYLASE DEFICIENCY; PYGM DEFICIENCY. Identifiers: Orphanet 368, MedGen C0017924, MONDO:0009293, OMIM 232600.

Allele frequency attached by ClinVar (database versions not stated): gnomAD exomes below 0.00001.
gnomAD v4.1: 2 of 1,614,136 alleles (0.00012%); highest among the groups gnomAD compares: South Asian, 0.0022%; no homozygotes.

Submissions (2):

Myriad Genetics, Inc.
Classification: Likely pathogenic for Glycogen storage disease, type V. Last evaluated: 2025-09-29. Review status: criteria provided, single submitter. Criteria: Myriad Autosomal Dominant, Autosomal Recessive and X-Linked Classification Criteria (2023). Collection method: clinical testing. Allele origin: unknown.
Comment: NM_005609.2(PYGM):c.1828-1G>A is a variant in a canonical splice site classified as likely pathogenic in the context of glycogen storage disease, PYGM-related. c.1828-1G>A has not been observed in cases with relevant disease. Relevant functional assessments of this variant are not available in the literature. c.1828-1G>A has been observed in referenced population frequency databases. In summary, NM_005609.2(PYGM):c.1828-1G>A is a variant in a canonical splice site in a gene where loss of function is a known mechanism of disease and is predicted to disrupt protein function. Please note: this variant was assessed in the context of healthy population screening.

Baylor Genetics
Classification: Likely pathogenic for Glycogen storage disease, type V. Last evaluated: 2021-12-20. Review status: criteria provided, single submitter. Criteria: ACMG Guidelines, 2015. Collection method: clinical testing. Allele origin: unknown.

NM_005609.4(PYGM):c.1828-1G>A

Gene: PYGM (glycogen phosphorylase, muscle associated; minus strand). Cytogenetic location: 11q13.1.
Variant type: single nucleotide variant.
Coding change: c.1828-1G>A on transcript NM_005609.4 (MANE Select); the canonical splice acceptor site of the intron before coding-DNA position 1828, G replaced by A.
Molecular consequence: splice acceptor variant.
Genome position (GRCh38, 1-based): chr11:64,751,467, C>T on the plus strand (G>A on the coding strand, the complement: PYGM is on the minus strand). VCF-style: chr11-64751467-C-T. GRCh37 (hg19) VCF-style: chr11-64518939-C-T.
Other names: c.1564-1G>A (NM_001164716.1).
Identifiers: ClinVar variation 2678145 (VCV002678145.2), dbSNP rs1394587447, ClinGen allele CA381169518.